The following is an entry in ClinVar:

ClinVar aggregate classification (germline): Benign (1 of 4 stars; one submission).

gnomAD v4.1: 15,866 of 1,613,804 alleles (0.98%); highest among the groups gnomAD compares: Non-Finnish European, 1.2%; 74 homozygotes.

Submission:

CeGaT Center for Human Genetics Tuebingen
Classification: Benign. Last evaluated: 2024-09-01. Review status: criteria provided, single submitter. Criteria: CeGaT Center For Human Genetics Tuebingen Variant Classification Criteria Version 2. Collection method: clinical testing. Allele origin: germline. Affected: yes. Observed: 1 variant allele.
Comment: TMEM79: BP4, BS1, BS2

NM_032323.3(TMEM79):c.431A>G (p.Asp144Gly)

Genes: SMG5 (SMG5 nonsense mediated mRNA decay factor; minus strand), TMEM79 (transmembrane protein 79; plus strand). Cytogenetic location: 1q22.
Variant type: single nucleotide variant.
Coding change: c.431A>G on transcript NM_032323.3 (MANE Select); coding-DNA position 431, A replaced by G.
Protein change: p.Asp144Gly; replaces aspartic acid 144 with glycine.
Molecular consequence: missense variant. On other transcripts: non-coding transcript variant (1), intron variant (1).
Genome position (GRCh38, 1-based): chr1:156,285,657, A>G. VCF-style: chr1-156285657-A-G. GRCh37 (hg19) VCF-style: chr1-156255448-A-G.
Other names: c.-125+976T>C (NM_001323617.2); short protein forms D144G.
Identifiers: ClinVar variation 3387884 (VCV003387884.14).